The following is an entry in ClinVar:

NM_005121.3(MED13):c.1797T>G (p.Tyr599Ter)

Gene: MED13 (mediator complex subunit 13; minus strand). Cytogenetic location: 17q23.2.
Variant type: single nucleotide variant.
Coding change: c.1797T>G on transcript NM_005121.3 (MANE Select); coding-DNA position 1797, T replaced by G.
Protein change: p.Tyr599Ter; replaces tyrosine 599 with a stop codon.
Molecular consequence: nonsense.
Genome position (GRCh38, 1-based): chr17:62,010,720, A>C on the plus strand (T>G on the coding strand, the complement: MED13 is on the minus strand). VCF-style: chr17-62010720-A-C. GRCh37 (hg19) VCF-style: chr17-60088081-A-C.
Other names: short protein forms Y599*.
Identifiers: ClinVar variation 4992064 (VCV004992064.1).

ClinVar aggregate classification (germline): Likely pathogenic (1 of 4 stars; one submission).

Conditions:
MED13-related disorder. Also called: MED13-related condition.

Submission:

PreventionGenetics, part of Exact Sciences
Classification: Likely pathogenic for MED13-related condition. Last evaluated: 2026-09-25. Review status: criteria provided, single submitter. Criteria: ACMG Guidelines, 2015. Collection method: clinical testing. Allele origin: germline.
Comment: The MED13 c.1797T>G variant is predicted to result in premature protein termination (p.Tyr599*). To our knowledge, this variant has not been reported in the literature or in a large population database (gnomAD), indicating this variant is rare. Nonsense variants in MED13 are expected to be pathogenic. This variant is interpreted as likely pathogenic.